The following is an entry in ClinVar:

NM_001845.6(COL4A1):c.4760C>G (p.Thr1587Ser)

Gene: COL4A1 (collagen type IV alpha 1 chain; minus strand). Cytogenetic location: 13q34.
Variant type: single nucleotide variant.
Coding change: c.4760C>G on transcript NM_001845.6 (MANE Select); coding-DNA position 4760, C replaced by G.
Protein change: p.Thr1587Ser; replaces threonine 1587 with serine.
Molecular consequence: missense variant.
Genome position (GRCh38, 1-based): chr13:110,152,502, G>C on the plus strand (C>G on the coding strand, the complement: COL4A1 is on the minus strand). VCF-style: chr13-110152502-G-C. GRCh37 (hg19) VCF-style: chr13-110804849-G-C.
Other names: c.4760C>G (NM_001845.4); short protein forms T1587S.
Identifiers: ClinVar variation 4799372 (VCV004799372.2).

ClinVar aggregate classification (germline): Uncertain significance. Review status: criteria provided, multiple submitters, no conflicts (2 of 4 stars). 2 submissions from 2 submitters: Uncertain significance (2). Last evaluated 2026-01-29.

Submissions (2):

GeneDx
Classification: Uncertain significance. Last evaluated: 2026-01-29. Review status: criteria provided, single submitter. Criteria: GeneDx Variant Classification Process June 2021. Collection method: clinical testing. Allele origin: germline.
Comment: Not observed at significant frequency in large population cohorts (gnomAD); In silico analysis supports a deleterious effect on splicing; In silico analysis supports that this missense variant has a deleterious effect on protein structure/function; Has not been previously published as pathogenic or benign to our knowledge

Labcorp Genetics (formerly Invitae), Labcorp
Classification: Uncertain significance. Last evaluated: 2026-01-18. Review status: criteria provided, single submitter. Criteria: Invitae Variant Classification Sherloc (09022015). Collection method: clinical testing. Allele origin: germline.
Comment: This sequence change replaces threonine, which is neutral and polar, with serine, which is neutral and polar, at codon 1587 of the COL4A1 protein (p.Thr1587Ser). This variant is present in population databases (no rsID available, gnomAD 0.003%). This variant has not been reported in the literature in individuals affected with COL4A1-related conditions. Invitae Evidence Modeling of protein sequence and biophysical properties (such as structural, functional, and spatial information, amino acid conservation, physicochemical variation, residue mobility, and thermodynamic stability) indicates that this missense variant is not expected to disrupt COL4A1 protein function with a negative predictive value of 95%. In summary, the available evidence is currently insufficient to determine the role of this variant in disease. Therefore, it has been classified as a Variant of Uncertain Significance.